The following is an entry in ClinVar:

NM_015346.4(ZFYVE26):c.2618_2619del (p.Tyr873fs)

Gene: ZFYVE26 (zinc finger FYVE-type containing 26; minus strand). Cytogenetic location: 14q24.1.
Variant type: Deletion.
Coding change: c.2618_2619del on transcript NM_015346.4 (MANE Select); coding-DNA positions 2618 to 2619, 2 bases deleted (AC; older notation c.2618_2619delAC).
Protein change: p.Tyr873fs; shifts the reading frame from tyrosine 873.
Molecular consequence: frameshift variant.
Genome position (GRCh38, 1-based): chr14:67,790,708-67,790,709, GT deleted on the plus strand (AC on the coding strand, the reverse complement: ZFYVE26 is on the minus strand). VCF-style (leftmost placement, unchanged base first): chr14-67790707-GGT-G. GRCh37 (hg19) VCF-style: chr14-68257424-GGT-G.
Other names: short protein forms Y873fs.
Identifiers: ClinVar variation 1726502 (VCV001726502.2), dbSNP rs2502832757, ClinGen allele CA2580088680.
Genomic context (GRCh38, chr14:67,790,707, plus strand): 5'-CATCTGAGTTCTGGTTTTCAATCTTGTGCTCTACTTGGGCCAGTTCTTGGATCACTTCCT[GGT>G]AGCGCTCCATGAACATCAGTTCCCCTGAACTGGGTGAGGACTTCAGGTTGAACGTGAACA-3'

ClinVar aggregate classification (germline): Likely pathogenic (1 of 4 stars; one submission).

Conditions:
Hereditary spastic paraplegia 15 (SPG15). Also called: SPASTIC PARAPLEGIA 15, AUTOSOMAL RECESSIVE; KJELLIN SYNDROME; SPASTIC PARAPLEGIA AND RETINAL DEGENERATION. Identifiers: Orphanet 100996, MedGen C1849128, MONDO:0010044, OMIM 270700.

Submission:

Myriad Genetics, Inc.
Classification: Likely pathogenic for Hereditary spastic paraplegia 15. Last evaluated: 2021-12-17. Review status: criteria provided, single submitter. Criteria: Myriad Women's Health Autosomal Recessive and X-Linked Classification Criteria (2021). Collection method: clinical testing. Allele origin: unknown.
Comment: NM_015346.3(ZFYVE26):c.2618_2619delAC(Y873Sfs*15) is expected to be pathogenic in the context of spastic paraplegia type 15. This variant is predicted to lead to an abnormal or absent protein product due to the creation of a premature termination codon in ZFYVE26, a gene where loss-of-function variants are known to be pathogenic. Please note: this variant was assessed in the context of healthy population screening.